The following is an entry in ClinVar:

NM_015509.4(NECAP1):c.77C>T (p.Ala26Val)

Genes: NECAP1 (NECAP endocytosis associated 1; plus strand), LOC126861440 (MED14-independent group 3 enhancer GRCh37_chr12:8234132-8235331; plus strand). Cytogenetic location: 12p13.31.
Variant type: single nucleotide variant.
Coding change: c.77C>T on transcript NM_015509.4 (MANE Select); coding-DNA position 77, C replaced by T.
Protein change: p.Ala26Val; replaces alanine 26 with valine.
Molecular consequence: missense variant. On other transcripts: non-coding transcript variant (1).
Genome position (GRCh38, 1-based): chr12:8,082,365, C>T. VCF-style: chr12-8082365-C-T. GRCh37 (hg19) VCF-style: chr12-8234961-C-T.
Other names: short protein forms A26V.
Identifiers: ClinVar variation 1475023 (VCV001475023.5), dbSNP rs1258379215, ClinGen allele CA383795535.

ClinVar aggregate classification (germline): Uncertain significance (1 of 4 stars; one submission).

Conditions:
Developmental and epileptic encephalopathy, 21 (DEE21). Also called: Early infantile epileptic encephalopathy 21. Identifiers: Orphanet 442835, MedGen C4014430, MONDO:0014360, OMIM 615833.

Allele frequency attached by ClinVar (database versions not stated): gnomAD 0.00001; gnomAD exomes 0.00001.
gnomAD v4.1: 21 of 1,613,574 alleles (0.0013%); highest among the groups gnomAD compares: African/African-American, 0.0027%; no homozygotes.

Submission:

Labcorp Genetics (formerly Invitae), Labcorp
Classification: Uncertain significance for Developmental and epileptic encephalopathy, 21. Last evaluated: 2021-09-24. Review status: criteria provided, single submitter. Criteria: Invitae Variant Classification Sherloc (09022015). Collection method: clinical testing. Allele origin: germline.
Comment: This sequence change replaces alanine with valine at codon 26 of the NECAP1 protein (p.Ala26Val). The alanine residue is moderately conserved and there is a small physicochemical difference between alanine and valine. This variant is not present in population databases (ExAC no frequency). This variant has not been reported in the literature in individuals with NECAP1-related conditions. Algorithms developed to predict the effect of missense changes on protein structure and function are either unavailable or do not agree on the potential impact of this missense change (SIFT: "Not Available"; PolyPhen-2: "Benign"; Align-GVGD: "Not Available"). In summary, the available evidence is currently insufficient to determine the role of this variant in disease. Therefore, it has been classified as a Variant of Uncertain Significance.